The following is an entry in ClinVar:

NM_203447.4(DOCK8):c.2110-12T>G

Gene: DOCK8 (dedicator of cytokinesis 8; plus strand). Cytogenetic location: 9p24.3.
Variant type: single nucleotide variant.
Coding change: c.2110-12T>G on transcript NM_203447.4 (MANE Select); 12 bases into the intron before coding-DNA position 2110, T replaced by G.
Molecular consequence: intron variant.
Genome position (GRCh38, 1-based): chr9:376,198, T>G. VCF-style: chr9-376198-T-G. GRCh37 (hg19) VCF-style: chr9-376198-T-G.
Other names: c.1906-12T>G (NM_001193536.2, NM_001190458.2).
Identifiers: ClinVar variation 2758047 (VCV002758047.3), dbSNP rs1157911538, ClinGen allele CA585877138.

ClinVar aggregate classification (germline): Uncertain significance (1 of 4 stars; one submission).

Conditions:
Combined immunodeficiency due to DOCK8 deficiency (HIES2). Also called: HIES autosomal recessive; Hyper-IgE recurrent infection syndrome, autosomal recessive; DOCK8 Deficiency; HYPER-IgE SYNDROME 2, AUTOSOMAL RECESSIVE, WITH RECURRENT INFECTIONS; HYPER-IgE RECURRENT INFECTION SYNDROME 2, AUTOSOMAL RECESSIVE. Identifiers: Orphanet 217390, MedGen C4722305, MONDO:0009478, OMIM 243700.

gnomAD v4.1: 2 of 1,574,172 alleles (0.00013%); highest among the groups gnomAD compares: South Asian, 0.0011%; no homozygotes.

Submission:

Labcorp Genetics (formerly Invitae), Labcorp
Classification: Uncertain significance for Combined immunodeficiency due to DOCK8 deficiency. Last evaluated: 2023-09-04. Review status: criteria provided, single submitter. Criteria: Invitae Variant Classification Sherloc (09022015). Collection method: clinical testing. Allele origin: germline.
Comment: This sequence change falls in intron 18 of the DOCK8 gene. It does not directly change the encoded amino acid sequence of the DOCK8 protein. This variant is present in population databases (no rsID available, gnomAD 0.003%). This variant has not been reported in the literature in individuals affected with DOCK8-related conditions. Algorithms developed to predict the effect of sequence changes on RNA splicing suggest that this variant may disrupt the consensus splice site. In summary, the available evidence is currently insufficient to determine the role of this variant in disease. Therefore, it has been classified as a Variant of Uncertain Significance.